The following is an entry in ClinVar:

NM_052989.3(IFT122):c.2749T>G (p.Tyr917Asp)

Gene: IFT122 (intraflagellar transport 122; plus strand). Cytogenetic location: 3q22.1.
Variant type: single nucleotide variant.
Coding change: c.2749T>G on transcript NM_052989.3 (MANE Select); coding-DNA position 2749, T replaced by G.
Protein change: p.Tyr917Asp; replaces tyrosine 917 with aspartic acid.
Molecular consequence: missense variant.
Genome position (GRCh38, 1-based): chr3:129,506,507, T>G. VCF-style: chr3-129506507-T-G. GRCh37 (hg19) VCF-style: chr3-129225350-T-G.
Other names: c.2725T>G, p.Tyr909Asp (NM_001280541.2); c.2299T>G, p.Tyr767Asp (NM_001280545.2); c.2122T>G, p.Tyr708Asp (NM_001280546.2); c.2572T>G, p.Tyr858Asp (NM_018262.4); c.2902T>G, p.Tyr968Asp (NM_052985.4); c.2416T>G, p.Tyr806Asp (NM_052990.3); short protein forms Y968D, Y767D, Y708D, Y806D, Y909D, Y917D, Y858D.
Identifiers: ClinVar variation 195780 (VCV000195780.23), dbSNP rs146818399, ClinGen allele CA209252.
Genomic context (GRCh38, chr3:129,506,507, plus strand): 5'-GTGCTGGAGCAGCTCACAAACAATGCCGTGGCGGAGAGCAGGTTTAATGATGCTGCCTAT[T>G]ATTACTGGATGCTGTCCATGCAGTGCCTCGATATAGCTCAAGGTGTGTAAACATCAGCCA-3'
Protein context (NP_443715.1, residues 907-927): AESRFNDAAY[Tyr917Asp]YWMLSMQCLD

ClinVar aggregate classification (germline): Conflicting classifications of pathogenicity. Review status: criteria provided, conflicting classifications (1 of 4 stars). 6 submissions from 6 submitters: Uncertain significance (4); Likely benign (2). Last evaluated 2026-06-04.

Conditions:
IFT122-related disorder. Also called: IFT122-related condition.
Inborn genetic diseases. Identifiers: MedGen C0950123, MeSH D030342.
Cranioectodermal dysplasia 1 (CED1). Also called: LEVIN SYNDROME I. Identifiers: Orphanet 1515, MedGen C0432235, MONDO:0021093, OMIM 218330.

Allele frequency attached by ClinVar (database versions not stated): gnomAD exomes 0.00008 and 0.00019; ExAC 0.00022; ESP Exome Variant Server 0.00077; 1000 Genomes Project 0.00080; gnomAD 0.00080 and 0.00088; TOPMed 0.00080; 1000 Genomes Project 30x 0.00094.
gnomAD v4.1: 251 of 1,614,236 alleles (0.016%); highest among the groups gnomAD compares: African/African-American, 0.27%; 1 homozygote.

Submissions (6):

PreventionGenetics, part of Exact Sciences
Classification: Likely benign for IFT122-related condition. Last evaluated: 2026-06-04. Review status: criteria provided, single submitter. Criteria: ACMG Guidelines, 2015. Collection method: clinical testing. Allele origin: germline.
Comment: This variant is classified as likely benign based on ACMG/AMP sequence variant interpretation guidelines (Richards et al. 2015 PMID: 25741868, with internal and published modifications).

Labcorp Genetics (formerly Invitae), Labcorp
Classification: Likely benign for Cranioectodermal dysplasia 1. Last evaluated: 2025-12-08. Review status: criteria provided, single submitter. Criteria: Invitae Variant Classification Sherloc (09022015). Collection method: clinical testing. Allele origin: germline.

Ambry Genetics
Classification: Uncertain significance for Inborn genetic diseases. Last evaluated: 2025-11-20. Review status: criteria provided, single submitter. Criteria: Ambry Variant Classification Scheme 2023. Collection method: clinical testing. Allele origin: germline.

GeneDx
Classification: Uncertain significance. Last evaluated: 2019-07-09. Review status: criteria provided, single submitter. Criteria: GeneDx Variant Classification Process June 2021. Collection method: clinical testing. Allele origin: germline. Affected: yes.
Comment: In silico analysis, which includes protein predictors and evolutionary conservation, supports a deleterious effect; Has not been previously published as pathogenic or benign to our knowledge

Eurofins Ntd Llc (ga)
Classification: Uncertain significance. Last evaluated: 2018-01-24. Review status: criteria provided, single submitter. Criteria: EGL Classification Definitions 2015. Collection method: clinical testing. Allele origin: germline. Observed: 2 variant alleles, 2 heterozygotes.

Genetic Services Laboratory, University of Chicago
Classification: Uncertain significance. Last evaluated: 2015-04-30. Review status: criteria provided, single submitter. Criteria: ACMG Guidelines, 2015. Collection method: clinical testing. Allele origin: germline.